The following is an entry in ClinVar:

ClinVar aggregate classification (germline): Likely benign (1 of 4 stars; one submission).

Allele frequency attached by ClinVar (database versions not stated): gnomAD exomes below 0.00001.
gnomAD v4.1: 3 of 1,551,532 alleles (0.00019%); highest among the groups gnomAD compares: Non-Finnish European, 0.00026%; no homozygotes.

Submission:

CeGaT Center for Human Genetics Tuebingen
Classification: Likely benign. Last evaluated: 2023-01-01. Review status: criteria provided, single submitter. Criteria: CeGaT Center For Human Genetics Tuebingen Variant Classification Criteria Version 2. Collection method: clinical testing. Allele origin: germline. Affected: yes. Observed: 1 variant allele.
Comment: PGAP2: PM2:Supporting, BP4, BP7

NM_001145438.3(PGAP2):c.-13G>A

Gene: PGAP2 (post-GPI attachment to proteins 2; plus strand). Cytogenetic location: 11p15.4.
Variant type: single nucleotide variant.
Coding change: c.-13G>A on transcript NM_001145438.3; 13 bases upstream of the start codon, G replaced by A.
Molecular consequence: 5 prime UTR variant. On other transcripts: synonymous variant (2), missense variant (1), non-coding transcript variant (9).
Genome position (GRCh38, 1-based): chr11:3,808,313, G>A. VCF-style: chr11-3808313-G-A. GRCh37 (hg19) VCF-style: chr11-3829543-G-A.
Other names: c.-44G>A (NM_001256235.2); c.-13G>A (NM_001256236.2, NM_001256237.2, NM_001256238.2 and 6 more transcripts); c.-43G>A (NM_001283039.2); c.159G>A, p.Glu53= (NM_001283040.1); c.141G>A, p.Glu47= (NM_001346397.2); c.-216G>A (NM_001346399.2, NM_001346401.2); c.23G>A, p.Arg8Lys (NM_001346402.2); short protein forms R8K.
Identifiers: ClinVar variation 2641520 (VCV002641520.22), dbSNP rs2495162642, ClinGen allele CA2612095891.